The following is an entry in ClinVar:

ClinVar aggregate classification (germline): Uncertain significance (1 of 4 stars; one submission).

Conditions:
Hereditary cancer-predisposing syndrome. Also called: Neoplastic Syndromes, Hereditary; Tumor predisposition; Hereditary neoplastic syndrome; Hereditary Cancer Syndrome. Identifiers: Orphanet 140162, MedGen C0027672, MeSH D009386, MONDO:0015356.

Submission:

Ambry Genetics
Classification: Uncertain significance for Hereditary cancer-predisposing syndrome. Last evaluated: 2026-07-04. Review status: criteria provided, single submitter. Criteria: Ambry Variant Classification Scheme 2023. Collection method: clinical testing. Allele origin: germline.
Comment: The p.D204N variant (also known as c.610G>A), located in coding exon 8 of the BAP1 gene, results from a G to A substitution at nucleotide position 610. The aspartic acid at codon 204 is replaced by asparagine, an amino acid with highly similar properties. This amino acid position is conserved. In addition, this alteration is predicted to be tolerated by in silico analysis. Based on the available evidence, the clinical significance of this variant remains unclear.

NM_004656.4(BAP1):c.610G>A (p.Asp204Asn)

Gene: BAP1 (BRCA1 associated deubiquitinase 1; minus strand). Cytogenetic location: 3p21.1.
Variant type: single nucleotide variant.
Coding change: c.610G>A on transcript NM_004656.4 (MANE Select); coding-DNA position 610, G replaced by A.
Protein change: p.Asp204Asn; replaces aspartic acid 204 with asparagine.
Molecular consequence: missense variant.
Genome position (GRCh38, 1-based): chr3:52,406,878, C>T on the plus strand (G>A on the coding strand, the complement: BAP1 is on the minus strand). VCF-style: chr3-52406878-C-T. GRCh37 (hg19) VCF-style: chr3-52440894-C-T.
Other names: c.610G>A, p.Asp204Asn (NM_001410772.1); short protein forms D204N.
Identifiers: ClinVar variation 5032703 (VCV005032703.1).